The following is an entry in ClinVar:

NM_003242.6(TGFBR2):c.432T>A (p.Asn144Lys)

Gene: TGFBR2 (transforming growth factor beta receptor 2; plus strand). Cytogenetic location: 3p24.1.
Variant type: single nucleotide variant.
Coding change: c.432T>A on transcript NM_003242.6 (MANE Select); coding-DNA position 432, T replaced by A.
Protein change: p.Asn144Lys; replaces asparagine 144 with lysine.
Molecular consequence: missense variant. On other transcripts: intron variant (2).
Genome position (GRCh38, 1-based): chr3:30,650,438, T>A. VCF-style: chr3-30650438-T-A. GRCh37 (hg19) VCF-style: chr3-30691930-T-A.
Other names: c.327T>A, p.Asn109Lys (NM_001407133.1, NM_001407134.1, NM_001407129.1 and 3 more transcripts); c.432T>A, p.Asn144Lys (NM_001407130.1, NM_001407127.1); c.459T>A, p.Asn153Lys (NM_001407128.1); c.507T>A, p.Asn169Lys (NM_001407139.1, NM_001024847.3, NM_001407126.1); c.170-21200T>A (NM_001407137.1); c.95-21200T>A (NM_001407138.1); short protein forms N109K, N144K, N153K, N169K.
Identifiers: ClinVar variation 3073798 (VCV003073798.1), dbSNP rs2125410687, ClinGen allele CA351807084.

ClinVar aggregate classification (germline): Uncertain significance (1 of 4 stars; one submission).

Conditions:
Loeys-Dietz syndrome 2 (LDS2). Also called: TGFBR2-Related Loeys-Dietz Syndrome; AORTIC ANEURYSM, FAMILIAL THORACIC 3; MARFAN SYNDROME, TYPE II; Marfan syndrome, type 2 (formerly); Marfan Syndrome type 2; Marfan like connective tissue disorder. Identifiers: Orphanet 284973, Orphanet 558, MedGen C2674574, MONDO:0012427, OMIM 610168.

Submission:

All of Us Research Program, National Institutes of Health
Classification: Uncertain significance for Loeys-Dietz syndrome 2. Last evaluated: 2023-10-06. Review status: criteria provided, single submitter. Criteria: ACMG Guidelines, 2015. Collection method: clinical testing. Allele origin: germline. Inheritance: Autosomal dominant inheritance. Observed: 1 variant allele, 1 heterozygote.
Comment: This missense variant replaces asparagine with lysine at codon 144 of the TGFBR2 protein. Computational prediction is inconclusive regarding the impact of this variant on protein structure and function (internally defined REVEL score threshold 0.5 < inconclusive < 0.7, PMID: 27666373). To our knowledge, functional studies have not been reported for this variant. This variant has not been reported in individuals affected with TGFBR2-related disorders in the literature. This variant has not been identified in the general population by the Genome Aggregation Database (gnomAD). The available evidence is insufficient to determine the role of this variant in disease conclusively. Therefore, this variant is classified as a Variant of Uncertain Significance.

This study involves interpretation of variants in research participants for the purpose of population health screening. Participant phenotype was not available at the time of variant classification. Additional details can be found in publication PMID: 35346344, PMCID: PMC8962531